The following is an entry in ClinVar:

ClinVar aggregate classification (germline): Pathogenic/Likely pathogenic. Review status: criteria provided, multiple submitters, no conflicts (2 of 4 stars). 15 submissions from 15 submitters: Pathogenic (12); Likely pathogenic (2). 1 of the submissions does not count toward it. Last evaluated 2026-04-07.

Conditions:
Osteogenesis imperfecta type III (OI3). Also called: Progressively Deforming Osteogenesis Imperfecta; Osteogenesis imperfecta type 3; OI type 3; Osteogenesis imperfecta, progressively deforming with normal sclerae; OI type III. Identifiers: Orphanet 216812, Orphanet 666, MedGen C0268362, MONDO:0009804, OMIM 259420.
Abnormality of the skeletal system. Identifiers: MedGen C4021790, HP:0000924.
COL1A1-related disorder. Also called: COL1A1-related condition; COL1A1- related disease.
Infantile cortical hyperostosis. Also called: Hyperostosis, Cortical, Congenital; P1PK BLOOD GROUP SYSTEM, P(2) PHENOTYPE; Caffey Disease. Identifiers: Orphanet 1310, MedGen C0020497, MONDO:0007244, OMIM 114000.
Osteogenesis imperfecta (OI). Identifiers: Orphanet 666, MedGen C0029434, MeSH D010013, MONDO:0019019.
Osteogenesis imperfecta type I (OI1). Also called: OI, TYPE I; OSTEOGENESIS IMPERFECTA TARDA; OSTEOGENESIS IMPERFECTA WITH BLUE SCLERAE; Osteogenesis imperfecta type 1; Classic Non-deforming Osteogenesis Imperfecta with Blue Sclerae; Lobstein's Disease. Identifiers: Orphanet 216796, Orphanet 666, MedGen C0023931, MONDO:0008146, OMIM 166200. Disease mechanism: loss of function.

Submissions 1 to 9 of 15:

Clinical Genetics and Genomics, Karolinska University Hospital
Classification: Pathogenic for Osteogenesis imperfecta type III. Last evaluated: 2026-04-07. Review status: criteria provided, single submitter. Criteria: ACMG Guidelines, 2015. Collection method: clinical testing. Allele origin: unknown. Affected: yes.
Comment: This sequence change replaces glycine with serine at codon 1169 of the COL1A1 protein (p.Gly1169Ser). The glycine residue is highly conserved and there is a moderate physicochemical difference between glycine and serine. Glycine residues within the Gly-Xaa-Yaa repeats of the triple helix domain are required for the structure and stability of fibrillar collagens (PMID: 7695699, 8218237, 19344236). In COL1A1, missense variants at these glycine residues are significantly enriched in individuals with disease (PMID: 9016532, 17078022) compared to the general population (gnomAD). For these reasons, this variant has been classified as Pathogenic.

3billion
Classification: Pathogenic for COL1A1-related disorder. Last evaluated: 2025-12-18. Review status: criteria provided, single submitter. Criteria: ACMG Guidelines, 2015. Collection method: clinical testing. Allele origin: germline. Affected: yes.
Comment: The variant is not observed in the gnomAD v4.1.0 dataset. Predicted Consequence/Location: Missense variant In silico tool predictions suggest damaging effect of the variant on gene or gene product [REVEL: 0.98 (>=0.6, sensitivity 0.68 and specificity 0.92)]. The same nucleotide change resulting in the same amino acid change has been previously reported as pathogenic/likely pathogenic with strong evidence (ClinVar ID: VCV000425589 /PMID: 17078022 /3billion dataset). The variant has been observed in multiple (>3) similarly affected unrelated individuals (PMID: 22753364, 26627451, 26712438, 28116328). The variant has been reported to co-segregate with the disease in at least 7 similarly affected relatives/individuals in at least two unrelated families (PMID: 26712438). Different missense changes at the same codon (p.Gly1169Cys, p.Gly1169Val) have been reported to be associated with COL1A1-related disorder (ClinVar ID: VCV003347564 /PMID: 17078022). Therefore, this variant is classified as Pathogenic according to the recommendation of ACMG/AMP guideline.

Labcorp Genetics (formerly Invitae), Labcorp
Classification: Pathogenic for Osteogenesis imperfecta type I. Last evaluated: 2025-12-01. Review status: criteria provided, single submitter. Criteria: Invitae Variant Classification Sherloc (09022015). Collection method: clinical testing. Allele origin: germline.
Comment: This sequence change replaces glycine, which is neutral and non-polar, with serine, which is neutral and polar, at codon 1169 of the COL1A1 protein (p.Gly1169Ser). This variant is not present in population databases (gnomAD no frequency). This missense change has been observed in individual(s) with osteogenesis imperfecta type I, III, or IV (PMID: 17078022, 26177859, 26627451, 26712438, 28116328). In at least one individual the variant was observed to be de novo. It has also been observed to segregate with disease in related individuals. ClinVar contains an entry for this variant (Variation ID: 425589). Invitae Evidence Modeling of protein sequence and biophysical properties (such as structural, functional, and spatial information, amino acid conservation, physicochemical variation, residue mobility, and thermodynamic stability) indicates that this missense variant is expected to disrupt COL1A1 protein function with a positive predictive value of 95%. This variant disrupts the triple helix domain of COL1A1. Glycine residues within the Gly-Xaa-Yaa repeats of the triple helix domain are required for the structure and stability of fibrillar collagens (PMID: 7695699, 8218237, 19344236). In COL1A1, variants affecting these glycine residues are significantly enriched in individuals with disease (PMID: 9016532, 17078022) compared to the general population (ExAC). For these reasons, this variant has been classified as Pathogenic.

GeneDx
Classification: Pathogenic. Last evaluated: 2024-09-09. Review status: criteria provided, single submitter. Criteria: GeneDx Variant Classification Process June 2021. Collection method: clinical testing. Allele origin: germline.
Comment: Observed in multiple patients with osteogenesis imperfecta (OI) in published literature (PMID: 17078022, 27510842, 30886339, 26177859); Occurs in the triple helical domain and replaces a glycine in a canonical Gly-X-Y repeat; missense substitution of a canonical glycine residue is expected to disrupt normal protein folding and function, and this is an established mechanism of disease (PMID: 34007986); Not observed at significant frequency in large population cohorts (gnomAD); In silico analysis supports that this missense variant has a deleterious effect on protein structure/function; This variant is associated with the following publications: (PMID: 37270749, 25525159, 26712438, 27510842, 30886339, 17078022, 36709916, 33772059, 33942288, 28116328, 34902613, 26177859, 34007986)

Revvity Omics, Revvity
Classification: Pathogenic. Last evaluated: 2023-10-13. Review status: criteria provided, single submitter. Criteria: ACMG Guidelines, 2015. Collection method: clinical testing. Allele origin: germline.

Mayo Clinic Laboratories, Mayo Clinic
Classification: Pathogenic. Last evaluated: 2023-09-28. Review status: criteria provided, single submitter. Criteria: ACMG Guidelines, 2015. Collection method: clinical testing. Allele origin: germline. Observed: 1 variant allele.
Comment: PP1_strong, PP3, PM1_strong, PM2, PS2, PS4

Blueprint Genetics
Classification: Pathogenic for COL1A1-related disorders. Last evaluated: 2023-08-07. Review status: criteria provided, single submitter. Criteria: ACMG Guidelines, 2015. Collection method: clinical testing. Allele origin: germline. Affected: yes. Observed: 5 variant alleles.

Molecular Genetics, Royal Melbourne Hospital
Classification: Pathogenic for Osteogenesis imperfecta type I. Last evaluated: 2023-03-30. Review status: criteria provided, single submitter. Criteria: ACMG Guidelines, 2015. Collection method: clinical testing. Allele origin: germline. Affected: yes.
Comment: This sequence change is predicted to replace glycine with serine at codon 1169 of the COL1A1 protein (p.Gly1169Ser). The glycine residue is highly conserved (100 vertebrates, UCSC), and is located in a critical collagen triple helix repeat, Gly-X-Y, in the collagen triple helical region (PM1; Uniprot). There is a small physicochemical difference between glycine and serine. The variant is absent in a large population cohort (PM2; gnomAD v2.1). The variant is recurrent and has been identified in multiple probands with osteogenesis imperfecta types I, III, or IV (PS4_Moderate; PMID: 17078022, 22753364, 23443412, 25944380, 26627451, 26712438). There are at least two assumed de novo occurrences of the variant (PM6; PMID: 25944380, 28116328), and segregation with disease over four generations in a large family (PP1_Strong; PMID: 26712438). Multiple lines of computational evidence predict a deleterious effect for the missense substitution (PP3; 6/6 algorithms). Based on the classification scheme RMH ACMG Guidelines v1.2.1, this variant is classified as PATHOGENIC. Following criteria are met: PP1_Strong, PS4_Moderate, PM1, PM2, PM6, PP3.

Foundation for Research in Genetics and Endocrinology, FRIGE's Institute of Human Genetics
Classification: Likely pathogenic for Infantile cortical hyperostosis. Last evaluated: 2022-04-11. Review status: criteria provided, single submitter. Criteria: ACMG Guidelines, 2015. Collection method: clinical testing. Allele origin: germline. Inheritance: Autosomal dominant inheritance. Affected: yes. Observed: 1 heterozygote.
Comment: Heterozygous missense variation in exon 47 of the COL1A1 gene that result in the amino acide substitution of serine for glycine at codon 1169 was detected. The observed variation has previously been reported in patients affected with osteogenesis imperfecta type I,II or IV and it lies in the collagen triple helix repeat domain of COL1A1 protein. The p.Gly1169Ser variant has not been reported in 100 genome and gnomAD database. The in silico prediction of the varint are probabily damaging by PolyPhen-2 (HumDiv), damaging by SIFT and MutationTaster2. In summary, the variant meets our criteria to be classified as variant of likely pathogenic.

NM_000088.4(COL1A1):c.3505G>A (p.Gly1169Ser)

Gene: COL1A1 (collagen type I alpha 1 chain; minus strand). Cytogenetic location: 17q21.33.
Variant type: single nucleotide variant.
Coding change: c.3505G>A on transcript NM_000088.4 (MANE Select); coding-DNA position 3505, G replaced by A.
Protein change: p.Gly1169Ser; replaces glycine 1169 with serine.
Molecular consequence: missense variant.
Genome position (GRCh38, 1-based): chr17:50,187,041, C>T on the plus strand (G>A on the coding strand, the complement: COL1A1 is on the minus strand). VCF-style: chr17-50187041-C-T. GRCh37 (hg19) VCF-style: chr17-48264402-C-T.
Other names: c.3505G>A (LRG_1t1); short protein forms G1169S.
Identifiers: ClinVar variation 425589 (VCV000425589.53), dbSNP rs67815019, ClinGen allele CA291542908.
Genomic context (GRCh38, chr17:50,187,041, plus strand): 5'-GGGCCATGAGCAGAGGGGATGAGGGGCTACATACAACAGGACCAGCATCACCAGTGCGAC[C>T]GCGAGGACCAGGGGGCCCAATGGGGCCAGGGAGACCGTTGAGTCCATCTTTGCCAGGAGC-3'
Protein context (NP_000079.2, residues 1159-1179): PGPIGPPGPR[Gly1169Ser]RTGDAGPVGP